The following is an entry in ClinVar:

NM_015375.3(DSTYK):c.2716C>T (p.Leu906Phe)

Gene: DSTYK (dual serine/threonine and tyrosine protein kinase; minus strand). Cytogenetic location: 1q32.1.
Variant type: single nucleotide variant.
Coding change: c.2716C>T on transcript NM_015375.3 (MANE Select); coding-DNA position 2716, C replaced by T.
Protein change: p.Leu906Phe; replaces leucine 906 with phenylalanine.
Molecular consequence: missense variant.
Genome position (GRCh38, 1-based): chr1:205,147,632, G>A on the plus strand (C>T on the coding strand, the complement: DSTYK is on the minus strand). VCF-style: chr1-205147632-G-A. GRCh37 (hg19) VCF-style: chr1-205116760-G-A.
Other names: c.2581C>T, p.Leu861Phe (NM_199462.3); short protein forms L861F, L906F.
Identifiers: ClinVar variation 2711991 (VCV002711991.3), dbSNP rs562344996, ClinGen allele CA1352517.

ClinVar aggregate classification (germline): Uncertain significance (1 of 4 stars; one submission).

Allele frequency attached by ClinVar (database versions not stated): gnomAD 0.00005; gnomAD exomes 0.00006; TOPMed 0.00006; ExAC 0.00012; 1000 Genomes Project 0.00040; 1000 Genomes Project 30x 0.00062.
gnomAD v4.1: 89 of 1,614,156 alleles (0.0055%); highest among the groups gnomAD compares: East Asian, 0.11%; no homozygotes.

Submission:

Labcorp Genetics (formerly Invitae), Labcorp
Classification: Uncertain significance. Last evaluated: 2024-07-26. Review status: criteria provided, single submitter. Criteria: Invitae Variant Classification Sherloc (09022015). Collection method: clinical testing. Allele origin: germline.
Comment: This sequence change replaces leucine, which is neutral and non-polar, with phenylalanine, which is neutral and non-polar, at codon 906 of the DSTYK protein (p.Leu906Phe). This variant is present in population databases (rs562344996, gnomAD 0.2%), and has an allele count higher than expected for a pathogenic variant. This variant has not been reported in the literature in individuals affected with DSTYK-related conditions. An algorithm developed to predict the effect of missense changes on protein structure and function (PolyPhen-2) suggests that this variant is likely to be disruptive. In summary, the available evidence is currently insufficient to determine the role of this variant in disease. Therefore, it has been classified as a Variant of Uncertain Significance.